The following is an entry in ClinVar:

ClinVar aggregate classification (germline): Likely benign. Review status: reviewed by expert panel (3 of 4 stars). 13 submissions from 13 submitters: Likely benign (1). 12 of the submissions do not count toward it. Last evaluated 2023-08-17.

Conditions:
Ovarian neoplasm. Also called: Ovarian Neoplasms; Neoplasm of ovary; Ovarian tumor. Identifiers: MedGen C0919267, MeSH D010051, MONDO:0021068, HP:0100615.
Prostate cancer. Also called: Malignant tumor of prostate. Identifiers: Orphanet 1331, MedGen C0376358, MONDO:0008315, HP:0012125.
Familial cancer of breast. Also called: BREAST CANCER, FAMILIAL; Hereditary breast cancer; hereditary breast carcinoma. Identifiers: Orphanet 227535, MedGen C0346153, MONDO:0016419, OMIM 114480. Disease mechanism: loss of function.
Hereditary diffuse gastric adenocarcinoma (HDGC). Also called: DIFFUSE GASTRIC AND LOBULAR BREAST CANCER SYNDROME. Identifiers: Orphanet 26106, MedGen C1708349, MONDO:0007648, OMIM 137215.
Blepharocheilodontic syndrome 1 (BCDS1). Identifiers: Orphanet 1997, MedGen C4551988, MONDO:0054740, OMIM 119580.
Endometrial carcinoma. Also called: Endometrial carcinoma, somatic. Identifiers: MedGen C0476089, MONDO:0002447, OMIM 608089, HP:0012114.
CDH1-related diffuse gastric and lobular breast cancer syndrome. Also called: CDH1-related diffuse gastric and lobular breast cancer. Identifiers: MedGen CN311521, MONDO:0100488.
CDH1-related disorder. Also called: CDH1-related condition.
Hereditary cancer-predisposing syndrome. Also called: Hereditary Cancer Syndrome; Tumor predisposition; Hereditary neoplastic syndrome; Neoplastic Syndromes, Hereditary. Identifiers: Orphanet 140162, MedGen C0027672, MeSH D009386, MONDO:0015356.
Breast and/or ovarian cancer. Identifiers: MedGen CN221562.
Malignant tumor of breast. Also called: Malignant breast neoplasm; Cancer breast. Identifiers: MedGen C0006142, MONDO:0007254. Disease mechanism: loss of function.

Allele frequency attached by ClinVar (database versions not stated): gnomAD exomes 0.00001 and 0.00002; TOPMed 0.00003; ExAC 0.00003; gnomAD 0.00003.

Submissions 1 to 9 of 13:

Clingen Gastric Cancer Variant Curation Expert Panel
Classification: Likely benign for CDH1-related diffuse gastric and lobular breast cancer syndrome. Last evaluated: 2023-08-17. Review status: reviewed by expert panel. Criteria: ClinGen CDH1 ACMG Specifications V3.1. Collection method: curation. Allele origin: germline. Inheritance: Autosomal dominant inheritance.
Comment: The c.1225T>C (p. Trp409Arg) variant has been observed in >10 individuals without a diagnosis of diffuse gastric cancer, signet ring tumor or lobular breast cancer and whose family histories do not suggest HDGC (BS2; internal laboratory contributors). In summary, the clinical significance of this variant is classified as likely benign based on BS2 alone. ACMG/AMP criteria applied, as specified by the CDH1 Variant Curation Expert Panel (Variant Interpretation Guidelines Version 3.1): BS2.

Labcorp Genetics (formerly Invitae), Labcorp
Classification: Likely benign for Hereditary diffuse gastric adenocarcinoma. Last evaluated: 2026-01-10. Review status: criteria provided, single submitter. Criteria: Invitae Variant Classification Sherloc (09022015). Collection method: clinical testing. Allele origin: germline. Not counted in ClinVar's aggregate classification.

Color Diagnostics, LLC DBA Color Health
Classification: Likely benign for Hereditary cancer-predisposing syndrome. Last evaluated: 2025-02-10. Review status: criteria provided, single submitter. Criteria: ACMG Guidelines, 2015. Collection method: clinical testing. Allele origin: germline. Not counted in ClinVar's aggregate classification.

CHEO Genetics Diagnostic Laboratory, Children's Hospital of Eastern Ontario
Classification: Uncertain significance for Breast and/or ovarian cancer. Last evaluated: 2022-09-22. Review status: criteria provided, single submitter. Criteria: ACMG Guidelines, 2015. Collection method: clinical testing. Allele origin: germline. Not counted in ClinVar's aggregate classification.

Fulgent Genetics
Classification: Likely benign for Familial cancer of breast; Blepharocheilodontic syndrome 1; Hereditary diffuse gastric adenocarcinoma; Ovarian cancer; Familial prostate cancer; Endometrial carcinoma. Last evaluated: 2022-04-08. Review status: criteria provided, single submitter. Criteria: ACMG Guidelines, 2015. Collection method: clinical testing. Allele origin: unknown. Not counted in ClinVar's aggregate classification.

Sema4
Classification: Uncertain significance for Hereditary cancer-predisposing syndrome. Last evaluated: 2022-03-04. Review status: criteria provided, single submitter. Criteria: Sema4 Curation Guidelines. Collection method: curation. Allele origin: germline. Not counted in ClinVar's aggregate classification.
Comment: The CDH1 c.1225T>C (p.W409R) variant has been reported in heterozygosity in at least one individual with gastric cancer who also had signet ring cell cancer of the colon (PMID: 15235021). It has been reported in a healthy ancestrally diverse cohort (PMID: 24728327). It has been reported in a large case-control study of breast cancer in 0/60466 cases and 2/53461 controls (PMID: 33471991). One functional study reported abnormal cell-cell adhesion and collagen invasion on in vitro assays (PMID: 15235021), however another functional study identified cell-cell adhesion and aggregation comparable to wild-type (PMID: 27582386). This variant was observed in 5/113762 chromosomes in the Non-Finnish European population according to the Genome Aggregation Database (PMID: 32461654). This variant has been reported in ClinVar (Variation ID: 133855). In silico predictions of the variant's effect on protein function are inconclusive. The evidence is insufficient to meet ACMG/AMP criteria for classifying the variant as benign or pathogenic. Thus, the clinical significance of this variant is currently uncertain.

St. Jude Molecular Pathology, St. Jude Children's Research Hospital
Classification: Likely benign for Hereditary diffuse gastric adenocarcinoma. Last evaluated: 2020-09-10. Review status: criteria provided, single submitter. Criteria: St. Jude Assertion Criteria 2020. Collection method: clinical testing. Allele origin: germline. Not counted in ClinVar's aggregate classification.
Comment: The c.1225T>C (p. Trp409Arg) missense variant has a frequency of 0.00002 (5 of 251,486 alleles) in gnomAD, with a maximum allele frequency of 0.00004 (5 of 113,762) in the Non-Finnish European subpopulation. Although this variant was reported in an individual with diffuse gastric cancer and a family history of signet ring colon cancer (PMID: 15235021), these diagnoses do not meet clinical criteria for hereditary diffuse gastric cancer (PMID: 32758476). Data submitted to the ClinGen CDH1 variant curation expert panel indicates that this variant has been observed in >10 individuals without a diagnosis of diffuse gastric cancer, signet ring cell tumors or lobular breast cancer and whose families do not suggest hereditary diffuse gastric cancer (BS2). Six of seven in silico tools predict a deleterious effect of this variant on protein function. While Brooks-Wilson et al. (PMID: 15235021) reported abnormal cell-cell adhesion and collagen invasion on in vitro assays, Petrova et al. (PMID: 26175155) identified cell-cell adhesion and aggregation comparable to wild-type. As the CDH1 variant curation expert panel only approves the use of assays that measure abnormal splicing of the CDH1 gene, functional data was not utilized as evidence of pathogenicity (PMID: 30311375). This variant has been called likely benign by the ClinGen CDH1 Variant Curation Expert Panel (SCV000864607.3). In summary, this variant meets criteria to be classified as likely benign based on the ACMG/AMP criteria, as specified by the CDH1 Variant Curation Expert Panel (Variant Interpretation Guidelines Version 2): BS2.

Ambry Genetics
Classification: Likely benign for Hereditary cancer-predisposing syndrome. Last evaluated: 2020-06-17. Review status: criteria provided, single submitter. Criteria: Ambry Variant Classification Scheme 2023. Collection method: clinical testing. Allele origin: germline. Not counted in ClinVar's aggregate classification.

GeneDx
Classification: Uncertain significance. Last evaluated: 2017-07-20. Review status: criteria provided, single submitter. Criteria: GeneDx Variant Classification (06012015). Collection method: clinical testing. Allele origin: germline. Affected: yes. Not counted in ClinVar's aggregate classification.
Comment: This variant is denoted CDH1 c.1225T>C at the cDNA level, p.Trp409Arg (W409R) at the protein level, and results in the change of a Tryptophan to an Arginine (TGG>CGG). This variant was observed in an individual with diffuse gastric cancer and a family history of signet ring colon cancer (Brooks-Wilson 2004). Studies assessing the functional impact of this variant have found discordant results. While Brooks-Wilson et al. (2004) reported abnormal cell-cell adhesion and collagen invasion on in vitro assays, Petrova et al. (2016) identified cell-cell adhesion and aggregation comparable to wild-type. CDH1 Trp409Arg was also identified in 1/43 healthy African individuals undergoing whole genome sequencing (Bodian 2014). CDH1 Trp409Arg was observed at an allele frequency of 0.006% (4/66740) in individuals of European (Non-Finnish) ancestry in large population cohorts (NHLBI Exome Sequencing Project, The 1000 Genomes Consortium 2015, Lek 2016). Since Tryptophan and Arginine differ in polarity, charge, size or other properties, this is considered a non-conservative amino acid substitution. CDH1 Trp409Arg occurs at a position that is conserved through mammals and is located in Cadherin 3 of the extracellular domain (Brooks-Wilson 2004, Figueiredo 2013). In silico analyses predict that this variant is probably damaging to protein structure and function. Based on currently available information, it is unclear whether CDH1 Trp409Arg is pathogenic or benign. We consider it to be a variant of uncertain significance.

NM_004360.5(CDH1):c.1225T>C (p.Trp409Arg)

Gene: CDH1 (cadherin 1; plus strand). Cytogenetic location: 16q22.1.
Variant type: single nucleotide variant.
Coding change: c.1225T>C on transcript NM_004360.5 (MANE Select); coding-DNA position 1225, T replaced by C.
Protein change: p.Trp409Arg; replaces tryptophan 409 with arginine.
Molecular consequence: missense variant. On other transcripts: 5 prime UTR variant (2), intron variant (1).
Genome position (GRCh38, 1-based): chr16:68,813,400, T>C. VCF-style: chr16-68813400-T-C. GRCh37 (hg19) VCF-style: chr16-68847303-T-C.
Other names: p.W409R:TGG>CGG; c.-391T>C (NM_001317185.2); c.-595T>C (NM_001317186.2); c.1137+1137T>C (NM_001317184.2); short protein forms W409R.
Identifiers: ClinVar variation 133855 (VCV000133855.36), dbSNP rs587778176, ClinGen allele CA157989.
Genomic context (GRCh38, chr16:68,813,400, plus strand): 5'-GCTAACGTCGTAATCACCACACTGAAAGTGACTGATGCTGATGCCCCCAATACCCCAGCG[T>C]GGGAGGCTGTATACACCATATTGAATGATGATGGTGGACAATTTGTCGTCACCACAAATC-3'
Protein context (NP_004351.1, residues 399-419): TDADAPNTPA[Trp409Arg]EAVYTILNDD